The following is an entry in ClinVar:

NM_003722.5(TP63):c.900G>A (p.Thr300=)

Gene: TP63 (tumor protein p63; plus strand). Cytogenetic location: 3q28.
Variant type: single nucleotide variant.
Coding change: c.900G>A on transcript NM_003722.5 (MANE Select); coding-DNA position 900, G replaced by A.
Protein change: p.Thr300=; no amino-acid change (threonine 300 retained).
Molecular consequence: synonymous variant.
Genome position (GRCh38, 1-based): chr3:189,867,850, G>A. VCF-style: chr3-189867850-G-A. GRCh37 (hg19) VCF-style: chr3-189585639-G-A.
Other names: c.900G>A, p.Thr300= (NM_001114978.2, NM_001114979.2, NM_001329144.2 and 1 more transcripts); c.618G>A, p.Thr206= (NM_001114980.2, NM_001114981.2, NM_001114982.2 and 2 more transcripts); c.363G>A, p.Thr121= (NM_001329146.2, NM_001329150.2); c.894G>A, p.Thr298= (NM_001329964.2).
Identifiers: ClinVar variation 771580 (VCV000771580.13), dbSNP rs372807713, ClinGen allele CA2752295.

ClinVar aggregate classification (germline): Conflicting classifications of pathogenicity. Review status: criteria provided, conflicting classifications (1 of 4 stars). 5 submissions from 3 submitters: Uncertain significance (1); Benign (2); Likely benign (2). Last evaluated 2025-10-28.

Conditions:
Ectrodactyly, ectodermal dysplasia, and cleft lip-palate syndrome 3. Also called: Ectrodactyly, Ectodermal Dysplasia, Clefting Syndrome; Ectrodactyly, Ectodermal Dysplasia, Clefting Syndrome Type 3 (EEC3); EEC SYNDROME 3; Ectrodactyly, Ectodermal Dysplasia, Cleft Lip/Palate Syndrome 3 (EEC3). Identifiers: Orphanet 1896, MedGen C1858562, MONDO:0011428, OMIM 604292.
Orofacial cleft 8. Also called: Cleft lip with or without cleft palate, nonsyndromic, 8. Identifiers: MedGen C1851878, MONDO:0029145, OMIM 618149.
TP63-Related Spectrum Disorders.

Allele frequency attached by ClinVar (database versions not stated): gnomAD 0.00003; gnomAD exomes 0.00004 and 0.00005; ExAC 0.00006; TOPMed 0.00007; ESP Exome Variant Server 0.00008; 1000 Genomes Project 30x 0.00016; 1000 Genomes Project 0.00020.
gnomAD v4.1: 65 of 1,614,038 alleles (0.004%); highest among the groups gnomAD compares: East Asian, 0.018%; no homozygotes.

Submissions (5):

Women's Health and Genetics/Laboratory Corporation of America, LabCorp
Classification: Likely benign. Last evaluated: 2025-10-28. Review status: criteria provided, single submitter. Criteria: LabCorp Variant Classification Summary - May 2015. Collection method: clinical testing. Allele origin: germline.

Labcorp Genetics (formerly Invitae), Labcorp
Classification: Likely benign. Last evaluated: 2025-01-23. Review status: criteria provided, single submitter. Criteria: Invitae Variant Classification Sherloc (09022015). Collection method: clinical testing. Allele origin: germline.

Illumina Laboratory Services, Illumina
Classification: Benign for TP63-Related Spectrum Disorders. Last evaluated: 2018-01-13. Review status: criteria provided, single submitter. Criteria: ICSL Variant Classification Criteria 13 December 2019. Collection method: clinical testing. Allele origin: germline.
Comment: This variant was observed in the ICSL laboratory as part of a predisposition screen in an ostensibly healthy population. It had not been previously curated by ICSL or reported in the Human Gene Mutation Database (HGMD: prior to June 1st, 2018), and was therefore a candidate for classification through an automated scoring system. Utilizing variant allele frequency, disease prevalence and penetrance estimates, and inheritance mode, an automated score was calculated to assess if this variant is too frequent to cause the disease. Based on the score and internal cut-off values, a variant classified as benign is not then subjected to further curation. The score for this variant resulted in a classification of benign for this disease.

Illumina Laboratory Services, Illumina
Classification: Benign for Ectrodactyly, ectodermal dysplasia, and cleft lip-palate syndrome 3. Last evaluated: 2018-01-13. Review status: criteria provided, single submitter. Criteria: ICSL Variant Classification Criteria 13 December 2019. Collection method: clinical testing. Allele origin: germline.
Comment: the same text as in the submission from Illumina Laboratory Services, Illumina above.

Illumina Laboratory Services, Illumina
Classification: Uncertain significance for Orofacial cleft 8. Last evaluated: 2018-01-13. Review status: criteria provided, single submitter. Criteria: ICSL Variant Classification Criteria 13 December 2019. Collection method: clinical testing. Allele origin: germline.